The following is an entry in ClinVar:

ClinVar aggregate classification (germline): Uncertain significance (1 of 4 stars; one submission).

Submission:

Ambry Genetics
Classification: Uncertain significance. Last evaluated: 2023-10-01. Review status: criteria provided, single submitter. Criteria: Ambry Variant Classification Scheme 2023. Collection method: clinical testing. Allele origin: germline.
Comment: The p.C492G variant (also known as c.1474T>G), located in coding exon 8 of the PKP4 gene, results from a T to G substitution at nucleotide position 1474. The cysteine at codon 492 is replaced by glycine, an amino acid with highly dissimilar properties. This amino acid position is conserved. In addition, this alteration is predicted to be tolerated by in silico analysis. Since supporting evidence is limited at this time, the clinical significance of this alteration remains unclear.

NM_003628.6(PKP4):c.1474T>G (p.Cys492Gly)

Gene: PKP4 (plakophilin 4; plus strand). Cytogenetic location: 2q24.1.
Variant type: single nucleotide variant.
Coding change: c.1474T>G on transcript NM_003628.6 (MANE Select); coding-DNA position 1474, T replaced by G.
Protein change: p.Cys492Gly; replaces cysteine 492 with glycine.
Molecular consequence: missense variant.
Genome position (GRCh38, 1-based): chr2:158,634,201, T>G. VCF-style: chr2-158634201-T-G. GRCh37 (hg19) VCF-style: chr2-159490713-T-G.
Other names: c.1474T>G, p.Cys492Gly (NM_001005476.4, NM_001304971.2, NM_001377218.1 and 1 more transcripts); c.1471T>G, p.Cys491Gly (NM_001304969.3, NM_001377219.1, NM_001377220.1 and 2 more transcripts); c.445T>G, p.Cys149Gly (NM_001304970.3); c.1468T>G, p.Cys490Gly (NM_001377222.1, NM_001377223.1); c.1465T>G, p.Cys489Gly (NM_001377224.1); short protein forms C149G, C489G, C490G, C491G, C492G.
Identifiers: ClinVar variation 3223489 (VCV003223489.1), dbSNP rs759725040, ClinGen allele CA348909878.
Genomic context (GRCh38, chr2:158,634,201, plus strand): 5'-CTGAACACAACAGCTACCTACGCGGAGCCCTACAGGCCTATACAATACCGAGTGCAAGAG[T>G]GCAATTATAACAGGCTTCAGCATGCAGTGCCGGCTGATGATGGCACCACAAGATCCCCAT-3'
Protein context (NP_003619.2, residues 482-502): YRPIQYRVQE[Cys492Gly]NYNRLQHAVP